The following is an entry in ClinVar:

NM_025132.4(WDR19):c.1559T>C (p.Ile520Thr)

Gene: WDR19 (WD repeat domain 19; plus strand). Cytogenetic location: 4p14.
Variant type: single nucleotide variant.
Coding change: c.1559T>C on transcript NM_025132.4 (MANE Select); coding-DNA position 1559, T replaced by C.
Protein change: p.Ile520Thr; replaces isoleucine 520 with threonine.
Molecular consequence: missense variant.
Genome position (GRCh38, 1-based): chr4:39,224,963, T>C. VCF-style: chr4-39224963-T-C. GRCh37 (hg19) VCF-style: chr4-39226583-T-C.
Other names: c.1079T>C, p.Ile360Thr (NM_001317924.2); short protein forms I360T, I520T.
Identifiers: ClinVar variation 917968 (VCV000917968.5), dbSNP rs1730093487, ClinGen allele CA356632097.
Genomic context (GRCh38, chr4:39,224,963, plus strand): 5'-TCTACATTGAAGACTGGCAATTCGTTAATGATTATCGACATCCTGTCAGTGTGAAAAAGA[T>C]TTTTCCCGACCCAAATGGGACCAGATTAGTTTTCATTGATGAAAAAAGTGATGGATTTGT-3'
Protein context (NP_079408.3, residues 510-530): DYRHPVSVKK[Ile520Thr]FPDPNGTRLV

ClinVar aggregate classification (germline): Conflicting classifications of pathogenicity. Review status: criteria provided, conflicting classifications (1 of 4 stars). 3 submissions from 2 submitters: Likely pathogenic (1); Uncertain significance (1). 1 of the submissions does not count toward it. Last evaluated 2021-09-24.

Conditions:
Nephronophthisis 13 (NPHP13). Identifiers: Orphanet 655, MedGen C3280612, MONDO:0013718, OMIM 614377.

Submissions (3):

Blueprint Genetics
Classification: Uncertain significance. Last evaluated: 2021-09-24. Review status: criteria provided, single submitter. Criteria: ACMG Guidelines, 2015. Collection method: clinical testing. Allele origin: germline.

Genomic Medicine Center of Excellence, King Faisal Specialist Hospital and Research Centre
Classification: Likely pathogenic for Nephronophthisis 13. Last evaluated: 2021-01-04. Review status: criteria provided, single submitter. Criteria: ACMG Guidelines, 2015. Collection method: clinical testing. Allele origin: germline. Affected: yes.

Genomic Medicine Center of Excellence, King Faisal Specialist Hospital and Research Centre
Classification: Likely pathogenic for Nephronophthisis 13. Review status: flagged submission. Collection method: research. Allele origin: germline. Affected: yes. Not counted in ClinVar's aggregate classification.
ClinVar note: Reason: This record appears to be redundant with a more recent record from the same submitter.
ClinVar note: Notes: SCV001338759 appears to be redundant with SCV001746634.